The following is an entry in ClinVar:

ClinVar aggregate classification (germline): Uncertain significance. Review status: criteria provided, multiple submitters, no conflicts (2 of 4 stars). 2 submissions from 2 submitters: Uncertain significance (2). Last evaluated 2024-09-16.

Conditions:
Parkinsonism-dystonia, infantile. Identifiers: Orphanet 238455, MedGen C2751067, MONDO:0013150.

Allele frequency attached by ClinVar (database versions not stated): gnomAD 0.00001 and 0.00002; gnomAD exomes 0.00002 and 0.00004; TOPMed 0.00002; ExAC 0.00006.
gnomAD v4.1: 29 of 1,613,336 alleles (0.0018%); highest among the groups gnomAD compares: South Asian, 0.026%; no homozygotes.

Submissions (2):

GeneDx
Classification: Uncertain significance. Last evaluated: 2024-09-16. Review status: criteria provided, single submitter. Criteria: GeneDx Variant Classification Process June 2021. Collection method: clinical testing. Allele origin: germline. Affected: yes.
Comment: In silico analysis indicates that this missense variant does not alter protein structure/function; Has not been previously published as pathogenic or benign to our knowledge

Labcorp Genetics (formerly Invitae), Labcorp
Classification: Uncertain significance for Parkinsonism-dystonia, infantile. Last evaluated: 2019-01-25. Review status: criteria provided, single submitter. Criteria: Invitae Variant Classification Sherloc (09022015). Collection method: clinical testing. Allele origin: germline.
Comment: This variant has not been reported in the literature in individuals with SLC6A3-related conditions. This sequence change replaces arginine with glutamine at codon 304 of the SLC6A3 protein (p.Arg304Gln). The arginine residue is moderately conserved and there is a small physicochemical difference between arginine and glutamine. This variant is present in population databases (rs748308614, ExAC 0.04%). Algorithms developed to predict the effect of missense changes on protein structure and function (SIFT, PolyPhen-2, Align-GVGD) all suggest that this variant is likely to be tolerated, but these predictions have not been confirmed by published functional studies and their clinical significance is uncertain. Algorithms developed to predict the effect of sequence changes on RNA splicing suggest that this variant may create or strengthen a splice site, but this prediction has not been confirmed by published transcriptional studies. In summary, the available evidence is currently insufficient to determine the role of this variant in disease. Therefore, it has been classified as a Variant of Uncertain Significance.

NM_001044.5(SLC6A3):c.911G>A (p.Arg304Gln)

Gene: SLC6A3 (solute carrier family 6 member 3). Cytogenetic location: 5p15.33.
Variant type: single nucleotide variant.
Coding change: c.911G>A on transcript NM_001044.5 (MANE Select); coding-DNA position 911, G replaced by A.
Protein change: p.Arg304Gln; replaces arginine 304 with glutamine.
Molecular consequence: missense variant.
Genome position (GRCh38, 1-based): chr5:1,420,585, C>T on the plus strand (G>A on the coding strand, the complement: SLC6A3 is on the minus strand). VCF-style: chr5-1420585-C-T. GRCh37 (hg19) VCF-style: chr5-1420700-C-T.
Other names: short protein forms R304Q.
Identifiers: ClinVar variation 847716 (VCV000847716.11), dbSNP rs748308614, ClinGen allele CA3186239.